The following is an entry in ClinVar:

NM_001371727.1(GABRB2):c.833-203G>C

Gene: GABRB2 (gamma-aminobutyric acid type A receptor subunit beta2; minus strand). Cytogenetic location: 5q34.
Variant type: single nucleotide variant.
Coding change: c.833-203G>C on transcript NM_001371727.1 (MANE Select); 203 bases into the intron before coding-DNA position 833, G replaced by C.
Molecular consequence: intron variant.
Genome position (GRCh38, 1-based): chr5:161,331,330, C>G on the plus strand (G>C on the coding strand, the complement: GABRB2 is on the minus strand). VCF-style: chr5-161331330-C-G. GRCh37 (hg19) VCF-style: chr5-160758337-C-G.
Other names: c.833-203G>C (NM_000813.3, NM_021911.3).
Identifiers: ClinVar variation 681752 (VCV000681752.1), dbSNP rs252944, ClinGen allele CA12068797.

ClinVar aggregate classification (germline): Benign (1 of 4 stars; one submission).

Allele frequency attached by ClinVar (database versions not stated): TOPMed 0.14036; 1000 Genomes Project 30x 0.15584; 1000 Genomes Project 0.15715; gnomAD 0.13679 and 0.13847.
gnomAD v4.1: 20,974 of 152,036 alleles (14%); highest among the groups gnomAD compares: East Asian, 17%; 1,476 homozygotes.

Submission:

GeneDx
Classification: Benign. Last evaluated: 2018-06-19. Review status: criteria provided, single submitter. Criteria: GeneDx Variant Classification (06012015). Collection method: clinical testing. Allele origin: germline. Affected: yes.
Comment: This variant is considered likely benign or benign based on one or more of the following criteria: it is a conservative change, it occurs at a poorly conserved position in the protein, it is predicted to be benign by multiple in silico algorithms, and/or has population frequency not consistent with disease.